The following is an entry in ClinVar:

NM_000719.7(CACNA1C):c.248G>A (p.Arg83Gln)

Gene: CACNA1C (calcium voltage-gated channel subunit alpha1 C; plus strand). Cytogenetic location: 12p13.33.
Variant type: single nucleotide variant.
Coding change: c.248G>A on transcript NM_000719.7 (MANE Select); coding-DNA position 248, G replaced by A.
Protein change: p.Arg83Gln; replaces arginine 83 with glutamine.
Molecular consequence: missense variant.
Genome position (GRCh38, 1-based): chr12:2,115,422, G>A. VCF-style: chr12-2115422-G-A. GRCh37 (hg19) VCF-style: chr12-2224588-G-A.
Other names: c.248G>A, p.Arg83Gln (NM_001129827.2, NM_001129829.2, NM_001129830.3 and 19 more transcripts); short protein forms R83Q.
Identifiers: ClinVar variation 936884 (VCV000936884.12), dbSNP rs774931483, ClinGen allele CA6388411.

ClinVar aggregate classification (germline): Uncertain significance. Review status: criteria provided, multiple submitters, no conflicts (2 of 4 stars). 4 submissions from 4 submitters: Uncertain significance (4). Last evaluated 2025-05-08.

Conditions:
Cardiovascular phenotype. Identifiers: MedGen CN230736.
Timothy syndrome (TS). Also called: LONG QT SYNDROME WITH SYNDACTYLY. Identifiers: Orphanet 65283, MedGen C1832916, MeSH C536962, MONDO:0010979, OMIM 601005.
Neurodevelopmental disorder with hypotonia, language delay, and skeletal defects with or without seizures (NEDHLSS). Identifiers: MedGen C5774213, MONDO:0859286, OMIM 620029.
Brugada syndrome 3 (BRGDA3). Identifiers: Orphanet 130, MedGen C2678478, MONDO:0012742, OMIM 611875.
Long QT syndrome 8. Identifiers: MedGen CN260585, MONDO:0032756, OMIM 618447.
Long QT syndrome (LQTS). Identifiers: MedGen C0023976, MeSH D008133, MONDO:0002442. Disease mechanism: loss of function. Inheritance: Various modes of inheritance.

Allele frequency attached by ClinVar (database versions not stated): gnomAD exomes below 0.00001 and 0.00001; TOPMed below 0.00001; ExAC 0.00001.
gnomAD v4.1: 8 of 1,612,774 alleles (0.0005%); highest among the groups gnomAD compares: Non-Finnish European, 0.00068%; no homozygotes.

Submissions (4):

Ambry Genetics
Classification: Uncertain significance for Cardiovascular phenotype. Last evaluated: 2025-05-08. Review status: criteria provided, single submitter. Criteria: Ambry Variant Classification Scheme 2023. Collection method: clinical testing. Allele origin: germline.
Comment: The p.R83Q variant (also known as c.248G>A), located in coding exon 2 of the CACNA1C gene, results from a G to A substitution at nucleotide position 248. The arginine at codon 83 is replaced by glutamine, an amino acid with highly similar properties. This amino acid position is highly conserved in available vertebrate species. In addition, the in silico prediction for this alteration is inconclusive. Based on the available evidence, the clinical significance of this variant remains unclear.

Labcorp Genetics (formerly Invitae), Labcorp
Classification: Uncertain significance for Long QT syndrome. Last evaluated: 2024-05-12. Review status: criteria provided, single submitter. Criteria: Invitae Variant Classification Sherloc (09022015). Collection method: clinical testing. Allele origin: germline.
Comment: This sequence change replaces arginine, which is basic and polar, with glutamine, which is neutral and polar, at codon 83 of the CACNA1C protein (p.Arg83Gln). This variant is present in population databases (rs774931483, gnomAD 0.0009%). This variant has not been reported in the literature in individuals affected with CACNA1C-related conditions. ClinVar contains an entry for this variant (Variation ID: 936884). Advanced modeling of protein sequence and biophysical properties (such as structural, functional, and spatial information, amino acid conservation, physicochemical variation, residue mobility, and thermodynamic stability) has been performed at Invitae for this missense variant, however the output from this modeling did not meet the statistical confidence thresholds required to predict the impact of this variant on CACNA1C protein function. In summary, the available evidence is currently insufficient to determine the role of this variant in disease. Therefore, it has been classified as a Variant of Uncertain Significance.

Clinical Genomics Laboratory, Stanford Medicine
Classification: Uncertain significance for Timothy syndrome; Long QT syndrome 8; Brugada syndrome 3; Neurodevelopmental disorder with hypotonia, language delay, and skeletal defects with or without seizures. Last evaluated: 2021-09-20. Review status: criteria provided, single submitter. Criteria: ACMG Guidelines, 2015. Collection method: clinical testing. Allele origin: germline. Observed: 1 variant allele, 1 heterozygote.
Comment: The p.Arg83Gln variant in the CACNA1C gene has not been previously reported in association with disease. This variant has been identified in 1/246,352 chromosomes by the Genome Aggregation Database. Although this variant has been seen in the general population, its frequency is low enough to be consistent with the prevalence of CACNA1C-related disease. The CACNA1C gene has fewer missense variants in the general population than expected. A low rate of missense variation may suggest that this gene is intolerant to missense variation. The arginine at position 83 is evolutionarily conserved. Computational tools do not predict that the p.Arg83Gln variant is deleterious; however, the accuracy of in silico algorithms is limited. These data were assessed using the ACMG/AMP variant interpretation guidelines. In summary, the significance of the p.Arg83Gln variant is uncertain. Additional information is needed to resolve the significance of this variant. [ACMG evidence codes used: PM2; PP2]

Women's Health and Genetics/Laboratory Corporation of America, LabCorp
Classification: Uncertain significance. Last evaluated: 2021-08-09. Review status: criteria provided, single submitter. Criteria: LabCorp Variant Classification Summary - May 2015. Collection method: clinical testing. Allele origin: germline.
Comment: Variant summary: CACNA1C c.248G>A (p.Arg83Gln) results in a conservative amino acid change in the encoded protein sequence. Three of five in-silico tools predict a benign effect of the variant on protein function. The variant allele was found at a frequency of 4.1e-06 in 246352 control chromosomes. The available data on variant occurrences in the general population are insufficient to allow any conclusion about variant significance. To our knowledge, no occurrence of c.248G>A in individuals affected with Timothy Syndrome and no experimental evidence demonstrating its impact on protein function have been reported. One clinical diagnostic laboratory has submitted clinical-significance assessments for this variant to ClinVar after 2014 without evidence for independent evaluation. One laboratory classified the variant as uncertain significance. Based on the evidence outlined above, the variant was classified as uncertain significance.